The following is an entry in ClinVar:

NM_001267550.2(TTN):c.92192_92196del (p.Ile30731fs)

Genes: TTN-AS1 (TTN antisense RNA 1; plus strand), TTN (titin; minus strand). Cytogenetic location: 2q31.2.
Variant type: Deletion.
Coding change: c.92192_92196del on transcript NM_001267550.2 (MANE Select); coding-DNA positions 92192 to 92196, 5 bases deleted (TAACA; older notation c.92192_92196delTAACA).
Protein change: p.Ile30731fs; shifts the reading frame from isoleucine 30731.
Molecular consequence: frameshift variant.
Genome position (GRCh38, 1-based): chr2:178,549,430-178,549,434, TGTTA deleted on the plus strand (TAACA on the coding strand, the reverse complement: TTN is on the minus strand); deleting any 5 consecutive bases within chr2:178,549,430-178,549,438 gives the same sequence; the c. name uses the placement nearest the transcript's 3' end. VCF-style (leftmost placement, unchanged base first): chr2-178549429-CTGTTA-C. GRCh37 (hg19) VCF-style: chr2-179414156-CTGTTA-C.
Other names: c.87269_87273del, p.Ile29090fs (NM_001256850.1); c.64997_65001del, p.Ile21666fs (NM_003319.4); c.84488_84492del, p.Ile28163fs (NM_133378.4); c.65372_65376del, p.Ile21791fs (NM_133432.3); c.65573_65577del, p.Ile21858fs (NM_133437.4); short protein forms I21791fs, I28163fs, I21858fs, I29090fs, I30731fs, I21666fs.
Identifiers: ClinVar variation 4786116 (VCV004786116.1).

ClinVar aggregate classification (germline): Likely pathogenic (1 of 4 stars; one submission).

Conditions:
Autosomal recessive limb-girdle muscular dystrophy type 2J (LGMDR10). Also called: Limb-girdle muscular dystrophy, type 2J; MUSCULAR DYSTROPHY, LIMB-GIRDLE, AUTOSOMAL RECESSIVE 10. Identifiers: Orphanet 140922, MedGen C1837342, MONDO:0012127, OMIM 608807.
Dilated cardiomyopathy 1G (CMD1G). Identifiers: Orphanet 154, MedGen C1858763, MONDO:0011400, OMIM 604145.

Submission:

Labcorp Genetics (formerly Invitae), Labcorp
Classification: Likely pathogenic for Dilated cardiomyopathy 1G; Autosomal recessive limb-girdle muscular dystrophy type 2J. Last evaluated: 2025-09-11. Review status: criteria provided, single submitter. Criteria: Invitae Variant Classification Sherloc (09022015). Collection method: clinical testing. Allele origin: germline.
Comment: This sequence change creates a premature translational stop signal (p.Ile30731Argfs*18) in the TTN gene. While this is not anticipated to result in nonsense mediated decay, it is expected to create a truncated TTN protein. This variant is not present in population databases (gnomAD no frequency). This variant has not been reported in the literature in individuals affected with TTN-related conditions. This variant is located in the A band of TTN (PMID: 25589632). Truncating variants in this region are significantly overrepresented in patients affected with dilated cardiomyopathy (PMID: 25589632). Truncating variants in this region have also been reported in individuals affected with autosomal recessive centronuclear myopathy (PMID: 23975875). In summary, the currently available evidence indicates that the variant is pathogenic, but additional data are needed to prove that conclusively. Therefore, this variant has been classified as Likely Pathogenic.

Literature cited by the submitters: PubMed 25589632; PubMed 23975875.